The following is an entry in ClinVar:

NM_201596.3(CACNB2):c.485G>A (p.Arg162Gln)

Gene: CACNB2 (calcium voltage-gated channel auxiliary subunit beta 2; plus strand). Cytogenetic location: 10p12.31.
Variant type: single nucleotide variant.
Coding change: c.485G>A on transcript NM_201596.3 (MANE Select); coding-DNA position 485, G replaced by A.
Protein change: p.Arg162Gln; replaces arginine 162 with glutamine.
Molecular consequence: missense variant.
Genome position (GRCh38, 1-based): chr10:18,500,840, G>A. VCF-style: chr10-18500840-G-A. GRCh37 (hg19) VCF-style: chr10-18789769-G-A.
Other names: p.Arg108Gln; c.320G>A, p.Arg107Gln (NM_000724.4, NM_001330060.2); c.401G>A, p.Arg134Gln (NM_001167945.2, NM_201571.4, NM_201572.4); c.341G>A, p.Arg114Gln (NM_201570.3); c.323G>A, p.Arg108Gln (NM_201590.3); c.485G>A, p.Arg162Gln (NM_201593.3, NM_201597.3); short protein forms R108Q, R162Q, R134Q, R107Q, R114Q.
Identifiers: ClinVar variation 469645 (VCV000469645.14), dbSNP rs144461906, ClinGen allele CA5429638.

ClinVar aggregate classification (germline): Uncertain significance. Review status: criteria provided, multiple submitters, no conflicts (2 of 4 stars). 5 submissions from 5 submitters: Uncertain significance (5). Last evaluated 2026-03-20.

Conditions:
CACNB2-related disorder. Also called: CACNB2-related condition.
Cardiovascular phenotype. Identifiers: MedGen CN230736.
Brugada syndrome 4 (BRGDA4). Identifiers: Orphanet 130, MedGen C2678477, MONDO:0012743, OMIM 611876.

Allele frequency attached by ClinVar (database versions not stated): gnomAD 0.00002; ExAC 0.00003; gnomAD exomes 0.00003; TOPMed 0.00003; ESP Exome Variant Server 0.00008.
gnomAD v4.1: 67 of 1,613,794 alleles (0.0042%); highest among the groups gnomAD compares: Non-Finnish European, 0.0053%; no homozygotes.

Submissions (5):

PreventionGenetics, part of Exact Sciences
Classification: Uncertain significance for CACNB2-related condition. Last evaluated: 2026-03-20. Review status: criteria provided, single submitter. Criteria: ACMG Guidelines, 2015. Collection method: clinical testing. Allele origin: germline.
Comment: The CACNB2 c.323G>A variant is predicted to result in the amino acid substitution p.Arg108Gln. To our knowledge, this variant has not been reported in the literature. This variant is reported in 0.0054% of alleles in individuals of East Asian descent in gnomAD. At this time, the clinical significance of this variant is uncertain due to the absence of conclusive functional and genetic evidence.

Ambry Genetics
Classification: Uncertain significance for Cardiovascular phenotype. Last evaluated: 2024-04-25. Review status: criteria provided, single submitter. Criteria: Ambry Variant Classification Scheme 2023. Collection method: clinical testing. Allele origin: germline.
Comment: The p.R108Q variant (also known as c.323G>A), located in coding exon 4 of the CACNB2 gene, results from a G to A substitution at nucleotide position 323. The arginine at codon 108 is replaced by glutamine, an amino acid with highly similar properties. This amino acid position is highly conserved in available vertebrate species. In addition, the in silico prediction for this alteration is inconclusive. Since supporting evidence is limited at this time, the clinical significance of this alteration remains unclear.

Labcorp Genetics (formerly Invitae), Labcorp
Classification: Uncertain significance for Brugada syndrome 4. Last evaluated: 2023-12-14. Review status: criteria provided, single submitter. Criteria: Invitae Variant Classification Sherloc (09022015). Collection method: clinical testing. Allele origin: germline.
Comment: This sequence change replaces arginine, which is basic and polar, with glutamine, which is neutral and polar, at codon 108 of the CACNB2 protein (p.Arg108Gln). This variant is present in population databases (rs144461906, gnomAD 0.006%). This variant has not been reported in the literature in individuals affected with CACNB2-related conditions. ClinVar contains an entry for this variant (Variation ID: 469645). Advanced modeling of protein sequence and biophysical properties (such as structural, functional, and spatial information, amino acid conservation, physicochemical variation, residue mobility, and thermodynamic stability) performed at Invitae indicates that this missense variant is expected to disrupt CACNB2 protein function with a positive predictive value of 80%. In summary, the available evidence is currently insufficient to determine the role of this variant in disease. Therefore, it has been classified as a Variant of Uncertain Significance.

Mayo Clinic Laboratories, Mayo Clinic
Classification: Uncertain significance. Last evaluated: 2022-10-04. Review status: criteria provided, single submitter. Criteria: ACMG Guidelines, 2015. Collection method: clinical testing. Allele origin: germline. Observed: 1 variant allele.
Comment: BS1

Fulgent Genetics
Classification: Uncertain significance for Brugada syndrome 4. Last evaluated: 2021-10-13. Review status: criteria provided, single submitter. Criteria: ACMG Guidelines, 2015. Collection method: clinical testing. Allele origin: unknown.